The following is an entry in ClinVar:

NM_001329943.3(KIAA0586):c.347A>G (p.Asp116Gly)

Gene: KIAA0586 (KIAA0586; plus strand). Cytogenetic location: 14q23.1.
Variant type: single nucleotide variant.
Coding change: c.347A>G on transcript NM_001329943.3 (MANE Select); coding-DNA position 347, A replaced by G.
Protein change: p.Asp116Gly; replaces aspartic acid 116 with glycine.
Molecular consequence: missense variant.
Genome position (GRCh38, 1-based): chr14:58,432,394, A>G. VCF-style: chr14-58432394-A-G. GRCh37 (hg19) VCF-style: chr14-58899112-A-G.
Other names: c.383A>G, p.Asp128Gly (NM_001244189.2); c.302A>G, p.Asp101Gly (NM_001244190.2); c.92A>G, p.Asp31Gly (NM_001244191.2, NM_001244192.2, NM_001329945.2 and 2 more transcripts); c.347A>G, p.Asp116Gly (NM_001329944.2, NM_001329946.2, NM_001329947.2 and 1 more transcripts); c.347A>G (NM_014749.3); short protein forms D116G, D101G, D31G, D128G.
Identifiers: ClinVar variation 1439900 (VCV001439900.8), dbSNP rs376113173, ClinGen allele CA7205352.
Genomic context (GRCh38, chr14:58,432,394, plus strand): 5'-AGTTTAATAAATATTCAGGAATTTAATATATATTTTTGTGTCTTGATTTTGCAGCAAATG[A>G]CATCTTCATTTCTCAGTATACAATGGGACAGAAAGATGCTCTAAGAACAGTTTTAAAGCA-3'
Protein context (NP_001316872.1, residues 106-126): IEENNKQKAN[Asp116Gly]IFISQYTMGQ

ClinVar aggregate classification (germline): Uncertain significance. Review status: criteria provided, multiple submitters, no conflicts (2 of 4 stars). 3 submissions from 3 submitters: Uncertain significance (3). Last evaluated 2024-03-31.

Conditions:
Short-rib thoracic dysplasia 14 with polydactyly (SRTD14). Identifiers: Orphanet 397715, MedGen C4225286, MONDO:0014688, OMIM 616546.
Joubert syndrome 23 (JBTS23). Identifiers: Orphanet 475, MedGen C4084822, MONDO:0014664, OMIM 616490.
Inborn genetic diseases. Identifiers: MedGen C0950123, MeSH D030342.

Allele frequency attached by ClinVar (database versions not stated): gnomAD exomes 0.00001 and 0.00003; ExAC 0.00004; gnomAD 0.00007 and 0.00008; TOPMed 0.00008; ESP Exome Variant Server 0.00009.
gnomAD v4.1: 20 of 1,542,872 alleles (0.0013%); highest among the groups gnomAD compares: African/African-American, 0.021%; no homozygotes.

Submissions (3):

Ambry Genetics
Classification: Uncertain significance for Inborn genetic diseases. Last evaluated: 2024-03-31. Review status: criteria provided, single submitter. Criteria: Ambry Variant Classification Scheme 2023. Collection method: clinical testing. Allele origin: germline.

Labcorp Genetics (formerly Invitae), Labcorp
Classification: Uncertain significance for Joubert syndrome 23; Short-rib thoracic dysplasia 14 with polydactyly. Last evaluated: 2023-08-24. Review status: criteria provided, single submitter. Criteria: Invitae Variant Classification Sherloc (09022015). Collection method: clinical testing. Allele origin: germline.
Comment: This sequence change replaces aspartic acid, which is acidic and polar, with glycine, which is neutral and non-polar, at codon 128 of the KIAA0586 protein (p.Asp128Gly). This variant is present in population databases (rs376113173, gnomAD 0.03%). This variant has not been reported in the literature in individuals affected with KIAA0586-related conditions. ClinVar contains an entry for this variant (Variation ID: 1439900). Advanced modeling of protein sequence and biophysical properties (such as structural, functional, and spatial information, amino acid conservation, physicochemical variation, residue mobility, and thermodynamic stability) performed at Invitae indicates that this missense variant is expected to disrupt KIAA0586 protein function. In summary, the available evidence is currently insufficient to determine the role of this variant in disease. Therefore, it has been classified as a Variant of Uncertain Significance.

Blueprint Genetics
Classification: Uncertain significance. Last evaluated: 2021-03-17. Review status: criteria provided, single submitter. Criteria: ACMG Guidelines, 2015. Collection method: clinical testing. Allele origin: germline.